The following is an entry in ClinVar:

NM_006030.4(CACNA2D2):c.784+2T>G

Gene: CACNA2D2 (calcium voltage-gated channel auxiliary subunit alpha2delta 2; minus strand). Cytogenetic location: 3p21.31.
Variant type: single nucleotide variant.
Coding change: c.784+2T>G on transcript NM_006030.4 (MANE Select); the canonical splice donor site of the intron after coding-DNA position 784, T replaced by G.
Molecular consequence: splice donor variant.
Genome position (GRCh38, 1-based): chr3:50,380,993, A>C on the plus strand (T>G on the coding strand, the complement: CACNA2D2 is on the minus strand). VCF-style: chr3-50380993-A-C. GRCh37 (hg19) VCF-style: chr3-50418424-A-C.
Other names: c.577+2T>G (NM_001291101.1); c.784+2T>G (NM_001005505.3, NM_001410768.1, NM_001174051.3).
Identifiers: ClinVar variation 2125775 (VCV002125775.4), dbSNP rs1575604997, ClinGen allele CA352939372.
Genomic context (GRCh38, chr3:50,380,993, plus strand): 5'-TGGGCTGGTAGATGGAGAAAGGCGAGGTGCTGGGTAGACAGGGGACAGGGGCTGGTACCT[A>C]CCCGGGTAGTAGCGAGTGACTCCTGTGGCGCTGCCGAAGACCTGCCACAGCAGTGTGGGG-3'

ClinVar aggregate classification (germline): Likely pathogenic (1 of 4 stars; one submission).

Conditions:
Early-infantile DEE. Also called: Early infantile epileptic encephalopathy; Ohtahara syndrome; Early infantile epileptic encephalopathy with suppression bursts. Identifiers: Orphanet 1934, MedGen C0393706, MONDO:0800491.

Submission:

Labcorp Genetics (formerly Invitae), Labcorp
Classification: Likely pathogenic for Early-infantile DEE. Last evaluated: 2022-04-12. Review status: criteria provided, single submitter. Criteria: Invitae Variant Classification Sherloc (09022015). Collection method: clinical testing. Allele origin: germline.
Comment: This variant has not been reported in the literature in individuals affected with CACNA2D2-related conditions. This variant is not present in population databases (gnomAD no frequency). Algorithms developed to predict the effect of sequence changes on RNA splicing suggest that this variant may disrupt the consensus splice site. This sequence change affects a donor splice site in intron 7 of the CACNA2D2 gene. It is expected to disrupt RNA splicing. Variants that disrupt the donor or acceptor splice site typically lead to a loss of protein function (PMID: 16199547), and loss-of-function variants in CACNA2D2 are known to be pathogenic (PMID: 24358150). In summary, the currently available evidence indicates that the variant is pathogenic, but additional data are needed to prove that conclusively. Therefore, this variant has been classified as Likely Pathogenic.

Literature cited by the submitters: PubMed 16199547; PubMed 24358150.